The following is an entry in ClinVar:

NM_001365088.1(SLC12A6):c.1551G>A (p.Pro517=)

Gene: SLC12A6 (solute carrier family 12 member 6; minus strand). Cytogenetic location: 15q14.
Variant type: single nucleotide variant.
Coding change: c.1551G>A on transcript NM_001365088.1 (MANE Select); coding-DNA position 1551, G replaced by A.
Protein change: p.Pro517=; no amino-acid change (proline 517 retained).
Molecular consequence: synonymous variant.
Genome position (GRCh38, 1-based): chr15:34,250,671, C>T on the plus strand (G>A on the coding strand, the complement: SLC12A6 is on the minus strand). VCF-style: chr15-34250671-C-T. GRCh37 (hg19) VCF-style: chr15-34542872-C-T.
Other names: p.Pro517=; c.1374G>A, p.Pro458= (NM_001042494.2, NM_001042495.2); c.1524G>A, p.Pro508= (NM_001042496.2); c.1506G>A, p.Pro502= (NM_001042497.2); c.1398G>A, p.Pro466= (NM_005135.2); c.1551G>A, p.Pro517= (NM_133647.2).
Identifiers: ClinVar variation 382667 (VCV000382667.57), dbSNP rs17236798, ClinGen allele CA7464283.

ClinVar aggregate classification (germline): Conflicting classifications of pathogenicity. Review status: criteria provided, conflicting classifications (1 of 4 stars). 7 submissions from 7 submitters: Uncertain significance (1); Likely benign (5). 1 of the submissions does not count toward it. Last evaluated 2026-09-01.

Conditions:
SLC12A6-related disorder. Also called: SLC12A6-related condition.
Agenesis of the corpus callosum with peripheral neuropathy (ACCPN). Also called: CHARLEVOIX DISEASE; POLYNEUROPATHY, SENSORIMOTOR, WITH OR WITHOUT AGENESIS OF THE CORPUS CALLOSUM; Hereditary Motor and Sensory Neuropathy with Agenesis of the Corpus Callosum; HMSN/ACC. Identifiers: Orphanet 1496, MedGen C0795950, MONDO:0000902, OMIM 218000. Disease mechanism: loss of function.

gnomAD v4.1: 125 of 1,603,500 alleles (0.0078%); highest among the groups gnomAD compares: East Asian, 0.038%; no homozygotes.

Submissions (7):

CeGaT Center for Human Genetics Tuebingen
Classification: Likely benign. Last evaluated: 2026-09-01. Review status: criteria provided, single submitter. Criteria: CeGaT Center For Human Genetics Tuebingen Variant Classification Criteria Version 2. Collection method: clinical testing. Allele origin: germline. Affected: yes. Observed: 3 variant alleles.
Comment: SLC12A6: BP4, BP7

Labcorp Genetics (formerly Invitae), Labcorp
Classification: Likely benign. Last evaluated: 2026-01-28. Review status: criteria provided, single submitter. Criteria: Invitae Variant Classification Sherloc (09022015). Collection method: clinical testing. Allele origin: germline.

Mayo Clinic Laboratories, Mayo Clinic
Classification: Likely benign. Last evaluated: 2025-11-13. Review status: criteria provided, single submitter. Criteria: ACMG Guidelines, 2015. Collection method: clinical testing. Allele origin: germline. Observed: 2 variant alleles.
Comment: BP4, BP7

Genome-Nilou Lab
Classification: Likely benign for Agenesis of the corpus callosum with peripheral neuropathy. Last evaluated: 2021-07-15. Review status: criteria provided, single submitter. Criteria: ACMG Guidelines, 2015. Collection method: clinical testing. Allele origin: germline. Affected: no.

GeneDx
Classification: Likely benign. Last evaluated: 2021-01-23. Review status: criteria provided, single submitter. Criteria: GeneDx Variant Classification Process June 2021. Collection method: clinical testing. Allele origin: germline. Affected: yes.

Illumina Laboratory Services, Illumina
Classification: Uncertain significance for Agenesis of the corpus callosum with peripheral neuropathy. Last evaluated: 2018-01-13. Review status: criteria provided, single submitter. Criteria: ICSL Variant Classification Criteria 13 December 2019. Collection method: clinical testing. Allele origin: germline.

PreventionGenetics, part of Exact Sciences
Classification: Likely benign for SLC12A6-related condition. Last evaluated: 2019-07-12. Review status: no assertion criteria provided. Collection method: clinical testing. Allele origin: germline. Not counted in ClinVar's aggregate classification.
Comment: This variant is classified as likely benign based on ACMG/AMP sequence variant interpretation guidelines (Richards et al. 2015 PMID: 25741868, with internal and published modifications).